The following is an entry in ClinVar:

NM_001375524.1(TRRAP):c.10671G>C (p.Glu3557Asp)

Gene: TRRAP (transformation/transcription domain associated protein; plus strand). Cytogenetic location: 7q22.1.
Variant type: single nucleotide variant.
Coding change: c.10671G>C on transcript NM_001375524.1 (MANE Select); coding-DNA position 10671, G replaced by C.
Protein change: p.Glu3557Asp; replaces glutamic acid 3557 with aspartic acid.
Molecular consequence: missense variant.
Genome position (GRCh38, 1-based): chr7:99,005,266, G>C. VCF-style: chr7-99005266-G-C. GRCh37 (hg19) VCF-style: chr7-98602889-G-C.
Other names: c.10629G>C, p.Glu3543Asp (NM_001244580.2); c.10542G>C, p.Glu3514Asp (NM_003496.4); short protein forms E3514D, E3543D, E3557D.
Identifiers: ClinVar variation 2585492 (VCV002585492.1), dbSNP rs2485060190, ClinGen allele CA368338376.

ClinVar aggregate classification (germline): Uncertain significance (1 of 4 stars; one submission).

Conditions:
Developmental delay with or without dysmorphic facies and autism. Identifiers: MedGen C5193106, MONDO:0032760, OMIM 618454.

Submission:

Neuberg Centre For Genomic Medicine, NCGM
Classification: Uncertain significance for Developmental delay with or without dysmorphic facies and autism. Review status: criteria provided, single submitter. Criteria: ACMG Guidelines, 2015. Collection method: clinical testing. Allele origin: germline. Inheritance: Autosomal dominant inheritance. Affected: yes.
Comment: The missense variant in c.10629G>C (p.Glu3543Asp) in TRRAP gene has not been reported previously as a pathogenic variant nor as a benign variant, to our knowledge. The p.Glu3543Asp variant is novel (not in any individuals) in gnomAD Exomes and 1000 Genomes. The amino acid Glu at position 3543 is changed to a Asp changing protein sequence and it might alter its composition and physico-chemical properties. The variant is predicted to be damaging by both SIFT and PolyPhen2. The residue is conserved across species. The amino acid change p.Glu3543Asp in TRRAP is predicted as conserved by GERP++ and PhyloP across 100 vertebrates. For these reasons, this variant has been classified as Uncertain Significance.